The following is an entry in ClinVar:

ClinVar aggregate classification (germline): Likely benign (1 of 4 stars; one submission).

Allele frequency attached by ClinVar (database versions not stated): ExAC 0.00237; 1000 Genomes Project 0.00859.

Submission:

CeGaT Center for Human Genetics Tuebingen
Classification: Likely benign. Last evaluated: 2025-10-01. Review status: criteria provided, single submitter. Criteria: CeGaT Center For Human Genetics Tuebingen Variant Classification Criteria Version 2. Collection method: clinical testing. Allele origin: germline. Affected: yes. Observed: 2 variant alleles.
Comment: PRAMEF2: BP4, BP7

NM_023014.1(PRAMEF2):c.81C>T (p.Ala27=)

Gene: PRAMEF2 (PRAME family member 2; plus strand). Cytogenetic location: 1p36.21.
Variant type: single nucleotide variant.
Coding change: c.81C>T on transcript NM_023014.1 (MANE Select); coding-DNA position 81, C replaced by T.
Protein change: p.Ala27=; no amino-acid change (alanine 27 retained).
Molecular consequence: synonymous variant.
Genome position (GRCh38, 1-based): chr1:12,859,090, C>T. VCF-style: chr1-12859090-C-T. GRCh37 (hg19) VCF-style: chr1-12918945-C-T.
Identifiers: ClinVar variation 3025842 (VCV003025842.22), dbSNP rs147106339, ClinGen allele CA607865.